The following is an entry in ClinVar:

ClinVar aggregate classification (germline): Uncertain significance (1 of 4 stars; one submission).

Conditions:
Lynch syndrome. Identifiers: Orphanet 144, MedGen C4552100, MONDO:0005835. Disease mechanism: loss of function.

Submission:

All of Us Research Program, National Institutes of Health
Classification: Uncertain significance for Lynch syndrome. Last evaluated: 2024-04-25. Review status: criteria provided, single submitter. Criteria: ACMG Guidelines, 2015. Collection method: clinical testing. Allele origin: germline. Inheritance: Autosomal dominant inheritance. Observed: 1 variant allele, 1 heterozygote.
Comment: This missense variant replaces serine with tyrosine at codon 455 of the PMS2 protein. Computational prediction suggests that this variant may not impact protein structure and function. To our knowledge, functional studies have not been reported for this variant. This variant has not been reported in individuals affected with PMS2-related disorders in the literature. This variant has not been identified in the general population by the Genome Aggregation Database (gnomAD). The available evidence is insufficient to determine the role of this variant in disease conclusively. Therefore, this variant is classified as a Variant of Uncertain Significance.

This study involves interpretation of variants in research participants for the purpose of population health screening. Participant phenotype was not available at the time of variant classification. Additional details can be found in publication PMID: 35346344, PMCID: PMC8962531

NM_000535.7(PMS2):c.1364C>A (p.Ser455Tyr)

Gene: PMS2 (PMS1 homolog 2, mismatch repair system component; minus strand). Cytogenetic location: 7p22.1.
Variant type: single nucleotide variant.
Coding change: c.1364C>A on transcript NM_000535.7 (MANE Select); coding-DNA position 1364, C replaced by A.
Protein change: p.Ser455Tyr; replaces serine 455 with tyrosine.
Molecular consequence: missense variant. On other transcripts: non-coding transcript variant (1), intron variant (1).
Genome position (GRCh38, 1-based): chr7:5,987,401, G>T on the plus strand (C>A on the coding strand, the complement: PMS2 is on the minus strand). VCF-style: chr7-5987401-G-T. GRCh37 (hg19) VCF-style: chr7-6027032-G-T.
Other names: c.959C>A, p.Ser320Tyr (NM_001322003.2, NM_001322004.2, NM_001322005.2 and 16 more transcripts); c.1208C>A, p.Ser403Tyr (NM_001322006.2, NM_001406870.1); c.1046C>A, p.Ser349Tyr (NM_001322007.2, NM_001322008.2, NM_001406876.1 and 2 more transcripts); c.803C>A, p.Ser268Tyr (NM_001322010.2, NM_001406906.1, NM_001406907.1); c.431C>A, p.Ser144Tyr (NM_001322011.2, NM_001322012.2); c.791C>A, p.Ser264Tyr (NM_001322013.2, NM_001406909.1); c.1364C>A, p.Ser455Tyr (NM_001322014.2, NM_001406871.1, NM_001406872.1); c.1055C>A, p.Ser352Tyr (NM_001322015.2, NM_001406875.1, NM_001406877.1 and 5 more transcripts); and 13 more; short protein forms S144Y, S198Y, S264Y, S268Y, S284Y, S297Y, S300Y, S320Y.
Identifiers: ClinVar variation 3387511 (VCV003387511.1).